The following is an entry in ClinVar:

ClinVar aggregate classification (germline): Uncertain significance (1 of 4 stars; one submission).

Allele frequency attached by ClinVar (database versions not stated): ExAC 0.00001.

Submission:

GeneDx
Classification: Uncertain significance. Last evaluated: 2020-07-16. Review status: criteria provided, single submitter. Criteria: GeneDx Variant Classification Process June 2021. Collection method: clinical testing. Allele origin: germline. Affected: yes.
Comment: Not observed in large population cohorts (Lek et al., 2016); In silico analysis supports that this missense variant does not alter protein structure/function; Has not been previously published as pathogenic or benign to our knowledge

NM_213649.2(SFXN4):c.929T>C (p.Ile310Thr)

Gene: SFXN4 (sideroflexin 4; minus strand). Cytogenetic location: 10q26.11.
Variant type: single nucleotide variant.
Coding change: c.929T>C on transcript NM_213649.2 (MANE Select); coding-DNA position 929, T replaced by C.
Protein change: p.Ile310Thr; replaces isoleucine 310 with threonine.
Molecular consequence: missense variant. On other transcripts: non-coding transcript variant (1).
Genome position (GRCh38, 1-based): chr10:119,146,243, A>G on the plus strand (T>C on the coding strand, the complement: SFXN4 is on the minus strand). VCF-style: chr10-119146243-A-G. GRCh37 (hg19) VCF-style: chr10-120905755-A-G.
Other names: short protein forms I310T.
Identifiers: ClinVar variation 1303934 (VCV001303934.2), dbSNP rs774418562, ClinGen allele CA5714363.
Genomic context (GRCh38, chr10:119,146,243, plus strand): 5'-TTCTAACTGCAAAATAAAAAACTTTGAGAGAAAAGAGGAATGGGGGCACTTACCTGTCCA[A>G]TCTGTGGAAATATACTAAAAGAAAATGGCACCATCAGTCCCATTGCCAGGACAGTACAAG-3'
Protein context (NP_998814.1, residues 300-320): VPFSFSIFPQ[Ile310Thr]GQIQYCSLEE